The following is an entry in ClinVar:

ClinVar aggregate classification (germline): Likely benign (0 of 4 stars; one submission).

Conditions:
SPINK5-related disorder. Also called: SPINK5-related condition.

gnomAD v4.1: 2 of 1,611,926 alleles (0.00012%); highest among the groups gnomAD compares: South Asian, 0.0022%; no homozygotes.

Submission:

PreventionGenetics, part of Exact Sciences
Classification: Likely benign for SPINK5-related condition. Last evaluated: 2019-05-13. Review status: no assertion criteria provided. Collection method: clinical testing. Allele origin: germline.
Comment: This variant is classified as likely benign based on ACMG/AMP sequence variant interpretation guidelines (Richards et al. 2015 PMID: 25741868, with internal and published modifications).

NM_006846.4(SPINK5):c.1650A>G (p.Lys550=)

Gene: SPINK5 (serine peptidase inhibitor Kazal type 5; plus strand). Cytogenetic location: 5q32.
Variant type: single nucleotide variant.
Coding change: c.1650A>G on transcript NM_006846.4 (MANE Select); coding-DNA position 1650, A replaced by G.
Protein change: p.Lys550=; no amino-acid change (lysine 550 retained).
Molecular consequence: synonymous variant.
Genome position (GRCh38, 1-based): chr5:148,108,795, A>G. VCF-style: chr5-148108795-A-G. GRCh37 (hg19) VCF-style: chr5-147488358-A-G.
Other names: c.1650A>G, p.Lys550= (NM_001127698.2, NM_001127699.2).
Identifiers: ClinVar variation 3041226 (VCV003041226.2), dbSNP rs961767606, ClinGen allele CA128924921.
Genomic context (GRCh38, chr5:148,108,795, plus strand): 5'-CTTCTTTTTCTATTACAGCAAACTTGAAGAAGAAGAGAAGAAAAATGATAAAGAAGAAAA[A>G]GGGAAAGTCGAGGCTGAAAAAGTTAAGAGAGAAGCAGTTCAGGTAGTTGTTTGAGATCAT-3'
Protein context (NP_006837.2, residues 540-560): EEEKKNDKEE[Lys550=]GKVEAEKVKR